The following is an entry in ClinVar:

ClinVar aggregate classification (germline): Uncertain significance (1 of 4 stars; one submission).

Conditions:
Hereditary cancer-predisposing syndrome. Also called: Neoplastic Syndromes, Hereditary; Tumor predisposition; Hereditary Cancer Syndrome; Hereditary neoplastic syndrome. Identifiers: Orphanet 140162, MedGen C0027672, MeSH D009386, MONDO:0015356.

Submission:

Ambry Genetics
Classification: Uncertain significance for Hereditary cancer-predisposing syndrome. Last evaluated: 2024-07-29. Review status: criteria provided, single submitter. Criteria: Ambry Variant Classification Scheme 2023. Collection method: clinical testing. Allele origin: germline.
Comment: The p.N688D variant (also known as c.2062A>G), located in coding exon 5 of the PALB2 gene, results from an A to G substitution at nucleotide position 2062. The asparagine at codon 688 is replaced by aspartic acid, an amino acid with highly similar properties. This amino acid position is conserved. In addition, this alteration is predicted to be tolerated by in silico analysis. Based on the available evidence, the clinical significance of this variant remains unclear.

NM_024675.4(PALB2):c.2062A>G (p.Asn688Asp)

Gene: PALB2 (partner and localizer of BRCA2; minus strand). Cytogenetic location: 16p12.2.
Variant type: single nucleotide variant.
Coding change: c.2062A>G on transcript NM_024675.4 (MANE Select); coding-DNA position 2062, A replaced by G.
Protein change: p.Asn688Asp; replaces asparagine 688 with aspartic acid.
Molecular consequence: missense variant. On other transcripts: intron variant (1).
Genome position (GRCh38, 1-based): chr16:23,630,092, T>C on the plus strand (A>G on the coding strand, the complement: PALB2 is on the minus strand). VCF-style: chr16-23630092-T-C. GRCh37 (hg19) VCF-style: chr16-23641413-T-C.
Other names: c.1177A>G, p.Asn393Asp (NM_001407310.1, NM_001407311.1, NM_001407304.1 and 5 more transcripts); c.274A>G, p.Asn92Asp (NM_001407312.1, NM_001407313.1); c.49-817A>G (NM_001407314.1); c.2002A>G, p.Asn668Asp (NM_001407296.1); c.2062A>G, p.Asn688Asp (NM_001407297.1, NM_001407298.1, NM_001407299.1 and 3 more transcripts); short protein forms N688D, N393D, N92D, N668D.
Identifiers: ClinVar variation 3413445 (VCV003413445.1).